The following is an entry in ClinVar:

ClinVar aggregate classification (germline): Uncertain significance (1 of 4 stars; one submission).

Allele frequency attached by ClinVar (database versions not stated): gnomAD exomes below 0.00001.
gnomAD v4.1: 1 of 1,613,774 alleles (0.000062%); highest among the groups gnomAD compares: South Asian, 0.0011%; no homozygotes.

Submission:

CeGaT Center for Human Genetics Tuebingen
Classification: Uncertain significance. Last evaluated: 2024-03-01. Review status: criteria provided, single submitter. Criteria: CeGaT Center For Human Genetics Tuebingen Variant Classification Criteria Version 2. Collection method: clinical testing. Allele origin: germline. Affected: yes. Observed: 1 variant allele.
Comment: EEF2: PM2, PP3

NM_001961.4(EEF2):c.1553C>T (p.Pro518Leu)

Gene: EEF2 (eukaryotic translation elongation factor 2; minus strand). Cytogenetic location: 19p13.3.
Variant type: single nucleotide variant.
Coding change: c.1553C>T on transcript NM_001961.4 (MANE Select); coding-DNA position 1553, C replaced by T.
Protein change: p.Pro518Leu; replaces proline 518 with leucine.
Molecular consequence: missense variant.
Genome position (GRCh38, 1-based): chr19:3,979,860, G>A on the plus strand (C>T on the coding strand, the complement: EEF2 is on the minus strand). VCF-style: chr19-3979860-G-A. GRCh37 (hg19) VCF-style: chr19-3979858-G-A.
Other names: short protein forms P518L.
Identifiers: ClinVar variation 3067760 (VCV003067760.21), dbSNP rs2512201693, ClinGen allele CA403391910.
Genomic context (GRCh38, chr19:3,979,860, plus strand): 5'-GTGCCCACCTGCACCATGGGGTCGGACTTGGCCAGCCGCTTCAGCCCCTCCACCAGCTTG[G>A]GCAGGTCAGCCGGGTTCTTGGCCTCCACGGCCACTCTGACAACAGGGCTGACGCTGAACT-3'
Protein context (NP_001952.1, residues 508-528): AVEAKNPADL[Pro518Leu]KLVEGLKRLA